The following is an entry in ClinVar:

NM_000525.4(KCNJ11):c.28G>A (p.Glu10Lys)

Gene: KCNJ11 (potassium inwardly rectifying channel subfamily J member 11; minus strand). Cytogenetic location: 11p15.1.
Variant type: single nucleotide variant.
Coding change: c.28G>A on transcript NM_000525.4 (MANE Select); coding-DNA position 28, G replaced by A.
Protein change: p.Glu10Lys; replaces glutamic acid 10 with lysine.
Molecular consequence: missense variant. On other transcripts: 5 prime UTR variant (1), intron variant (2).
Genome position (GRCh38, 1-based): chr11:17,388,064, C>T on the plus strand (G>A on the coding strand, the complement: KCNJ11 is on the minus strand). VCF-style: chr11-17388064-C-T. GRCh37 (hg19) VCF-style: chr11-17409611-C-T.
Other names: c.-63G>A (NM_001377296.1); c.-16-218G>A (NM_001166290.2, NM_001377297.1); short protein forms E10K.
Identifiers: ClinVar variation 158674 (VCV000158674.7), dbSNP rs587783667, ClinGen allele CA172324.
Genomic context (GRCh38, chr11:17,388,064, plus strand): 5'-GGCGGGCACGGTACCTGGGCTTGGCAGGGTCCTCTGCCAGGCGTGTCAGCACGTATTCCT[C>T]GGGGATGATGCCCTTGCGGGACAGCATGGCTCCGGTGACCCCCAGGGAGGGGCTTCCCCC-3'
Protein context (NP_000516.3, residues 1-20): MLSRKGIIP[Glu10Lys]EYVLTRLAED

ClinVar aggregate classification (germline): Conflicting classifications of pathogenicity. Review status: criteria provided, conflicting classifications (1 of 4 stars). 2 submissions from 2 submitters: Uncertain significance (1); Benign (1). Last evaluated 2013-02-08.

Conditions:
Maturity-onset diabetes of the young (MODY). Also called: Maturity onset diabetes mellitus in young. Identifiers: Orphanet 552, MedGen C0342276, MONDO:0018911, HP:0004904.

Allele frequency attached by ClinVar (database versions not stated): gnomAD exomes below 0.00001.
gnomAD v4.1: 1 of 1,611,924 alleles (0.000062%); no homozygotes.

Submissions (2):

Genetic Services Laboratory, University of Chicago
Classification: Benign. Last evaluated: 2013-02-08. Review status: criteria provided, single submitter. Criteria: ACMG Guidelines, 2007. Collection method: clinical testing. Allele origin: germline. Inheritance: Autosomal unknown.

Clinical Genomics, Uppaluri K&H Personalized Medicine Clinic
Classification: Uncertain significance for Maturity-onset diabetes of the young. Review status: criteria provided, single submitter. Criteria: K & H Uppaluri Personalized Medicine Clinic Variant Classification & Assertion Criteria_Updated V.1. Collection method: research. Allele origin: somatic. Inheritance: Autosomal dominant inheritance.
Comment: Mutations in KCNJ11 gene can cause decreased production and secretion of insulin. This can lead to MODY which may be responsive to oral sulfonylureas. It is also associated with Neonatal Diabetes. However, no sufficient evidence is found to ascertain the role of this particular variant (rs587783667) in MODY yet.

Literature cited by the submitters: PubMed 26448950 (cited by Clinical Genomics, Uppaluri K&H Personalized Medicine Clinic); PubMed 15580558 (cited by Clinical Genomics, Uppaluri K&H Personalized Medicine Clinic); PubMed 15718250 (cited by Clinical Genomics, Uppaluri K&H Personalized Medicine Clinic); PubMed 32935446 (cited by Clinical Genomics, Uppaluri K&H Personalized Medicine Clinic); PubMed 22701567 (cited by Clinical Genomics, Uppaluri K&H Personalized Medicine Clinic).